The following is an entry in ClinVar:

ClinVar aggregate classification (germline): Uncertain significance. Review status: criteria provided, multiple submitters, no conflicts (2 of 4 stars). 2 submissions from 2 submitters: Uncertain significance (2). Last evaluated 2024-02-20.

Conditions:
Imerslund-Grasbeck syndrome type 1 (IGS1). Also called: Megaloblastic anemia 1, Finnish type; MEGALOBLASTIC ANEMIA, 1; Imerslund-Gräsbeck syndrome 1. Identifiers: MedGen C4016819, MONDO:0100156, OMIM 261100.
Proteinuria, chronic benign. Identifiers: MedGen C5394384, MONDO:0030042, OMIM 618884.
Imerslund-Grasbeck syndrome. Also called: ENTEROCYTE COBALAMIN MALABSORPTION; ENTEROCYTE INTRINSIC FACTOR RECEPTOR, DEFECT OF; PERNICIOUS ANEMIA, JUVENILE, DUE TO SELECTIVE INTESTINAL MALABSORPTION OF VITAMIN B12, WITH PROTEINURIA; Imerslund-Gräsbeck syndrome; Megaloblastic anemia due to inborn errors of metabolism. Identifiers: Orphanet 35858, MedGen C4551825, MONDO:0009853.

gnomAD v4.1: 44 of 1,614,004 alleles (0.0027%); highest among the groups gnomAD compares: Non-Finnish European, 0.0037%; no homozygotes.

Submissions (2):

Fulgent Genetics
Classification: Uncertain significance for Imerslund-Grasbeck syndrome type 1; Proteinuria, chronic benign. Last evaluated: 2024-02-20. Review status: criteria provided, single submitter. Criteria: ACMG Guidelines, 2015. Collection method: clinical testing. Allele origin: germline.

Labcorp Genetics (formerly Invitae), Labcorp
Classification: Uncertain significance for Imerslund-Grasbeck syndrome. Last evaluated: 2022-10-05. Review status: criteria provided, single submitter. Criteria: Invitae Variant Classification Sherloc (09022015). Collection method: clinical testing. Allele origin: germline.
Comment: This variant has not been reported in the literature in individuals affected with CUBN-related conditions. In summary, the available evidence is currently insufficient to determine the role of this variant in disease. Therefore, it has been classified as a Variant of Uncertain Significance. Advanced modeling of protein sequence and biophysical properties (such as structural, functional, and spatial information, amino acid conservation, physicochemical variation, residue mobility, and thermodynamic stability) performed at Invitae indicates that this missense variant is not expected to disrupt CUBN protein function. This variant is present in population databases (no rsID available, gnomAD 0.02%), including at least one homozygous and/or hemizygous individual. This sequence change replaces alanine, which is neutral and non-polar, with threonine, which is neutral and polar, at codon 3205 of the CUBN protein (p.Ala3205Thr).

NM_001081.4(CUBN):c.9613G>A (p.Ala3205Thr)

Gene: CUBN (cubilin; minus strand). Cytogenetic location: 10p13.
Variant type: single nucleotide variant.
Coding change: c.9613G>A on transcript NM_001081.4 (MANE Select); coding-DNA position 9613, G replaced by A.
Protein change: p.Ala3205Thr; replaces alanine 3205 with threonine.
Molecular consequence: missense variant.
Genome position (GRCh38, 1-based): chr10:16,851,285, C>T on the plus strand (G>A on the coding strand, the complement: CUBN is on the minus strand). VCF-style: chr10-16851285-C-T. GRCh37 (hg19) VCF-style: chr10-16893284-C-T.
Other names: short protein forms A3205T.
Identifiers: ClinVar variation 1908579 (VCV001908579.4), dbSNP rs370227709, ClinGen allele CA5422657.
Genomic context (GRCh38, chr10:16,851,285, plus strand): 5'-ACAGCCTTACCTTTACATAATCATAAAGGCATCTTTGCCTAGTACTTGCTGCCTCCAGAG[C>T]AAATGTATTGAAGGTGAGGTGAATTACTTTGTTTACAGGTGCAATTATGATCCATACACA-3'
Protein context (NP_001072.2, residues 3195-3215): KVIHLTFNTF[Ala3205Thr]LEAASTRQRC